The following is an entry in ClinVar:

NM_033637.4(BTRC):c.1775C>A (p.Pro592His)

Gene: BTRC (beta-transducin repeat containing E3 ubiquitin protein ligase; plus strand). Cytogenetic location: 10q24.32.
Variant type: single nucleotide variant.
Coding change: c.1775C>A on transcript NM_033637.4 (MANE Select); coding-DNA position 1775, C replaced by A.
Protein change: p.Pro592His; replaces proline 592 with histidine.
Molecular consequence: missense variant.
Genome position (GRCh38, 1-based): chr10:101,550,817, C>A. VCF-style: chr10-101550817-C-A. GRCh37 (hg19) VCF-style: chr10-103310574-C-A.
Other names: c.1697C>A, p.Pro566His (NM_001256856.2); c.1667C>A, p.Pro556His (NM_003939.5); c.1775C>A (NM_033637.3); short protein forms P556H, P566H, P592H.
Identifiers: ClinVar variation 1662043 (VCV001662043.10), dbSNP rs2270439, ClinGen allele CA5656291.

ClinVar aggregate classification (germline): Benign. Review status: criteria provided, multiple submitters, no conflicts (2 of 4 stars). 3 submissions from 3 submitters: Benign (2). 1 of the submissions does not count toward it. Last evaluated 2025-12-11.

Conditions:
BTRC-related disorder. Also called: BTRC-related condition.

Allele frequency attached by ClinVar (database versions not stated): 1000 Genomes Project 30x 0.00609; ESP Exome Variant Server 0.00015; 1000 Genomes Project 0.00659.
gnomAD v4.1: 2,326 of 1,614,006 alleles (0.14%); highest among the groups gnomAD compares: East Asian, 4.1%; 46 homozygotes.

Submissions (3):

Labcorp Genetics (formerly Invitae), Labcorp
Classification: Benign. Last evaluated: 2025-12-11. Review status: criteria provided, single submitter. Criteria: Invitae Variant Classification Sherloc (09022015). Collection method: clinical testing. Allele origin: germline.

Breakthrough Genomics
Classification: Benign. Review status: criteria provided, single submitter. Criteria: ACMG Guidelines, 2015. Collection method: not provided. Allele origin: germline. Inheritance: Unknown mechanism. Affected: yes.

PreventionGenetics, part of Exact Sciences
Classification: Benign for BTRC-related condition. Last evaluated: 2019-05-24. Review status: no assertion criteria provided. Collection method: clinical testing. Allele origin: germline. Not counted in ClinVar's aggregate classification.
Comment: This variant is classified as benign based on ACMG/AMP sequence variant interpretation guidelines (Richards et al. 2015 PMID: 25741868, with internal and published modifications).